The following is an entry in ClinVar:

NM_014946.4(SPAST):c.1493G>T (p.Arg498Met)

Gene: SPAST (spastin; plus strand). Cytogenetic location: 2p22.3.
Variant type: single nucleotide variant.
Coding change: c.1493G>T on transcript NM_014946.4 (MANE Select); coding-DNA position 1493, G replaced by T.
Protein change: p.Arg498Met; replaces arginine 498 with methionine.
Molecular consequence: missense variant.
Genome position (GRCh38, 1-based): chr2:32,137,188, G>T. VCF-style: chr2-32137188-G-T. GRCh37 (hg19) VCF-style: chr2-32362257-G-T.
Other names: c.1490G>T, p.Arg497Met (NM_001363823.2); c.1394G>T, p.Arg465Met (NM_001363875.2); c.1397G>T, p.Arg466Met (NM_001377959.1, NM_199436.2); short protein forms R498M, R465M, R466M, R497M.
Identifiers: ClinVar variation 4746961 (VCV004746961.2).

ClinVar aggregate classification (germline): Likely pathogenic. Review status: criteria provided, multiple submitters, no conflicts (2 of 4 stars). 2 submissions from 2 submitters: Likely pathogenic (2). Last evaluated 2025-11-07.

Conditions:
Hereditary spastic paraplegia 4. Also called: Spastic Paraplegia 4; Spastic paraplegia 4, autosomal dominant; Familial spastic paraplegia autosomal dominant 2. Identifiers: Orphanet 100985, MedGen C1866855, MONDO:0008438, OMIM 182601.

Submissions (2):

3billion
Classification: Likely pathogenic for Hereditary spastic paraplegia 4. Last evaluated: 2025-11-07. Review status: criteria provided, single submitter. Criteria: ACMG Guidelines, 2015. Collection method: clinical testing. Allele origin: germline. Affected: yes.
Comment: The variant is not observed in the gnomAD v4.1.0 dataset. Predicted Consequence/Location: Missense variant In silico tool predictions suggest damaging effect of the variant on gene or gene product [REVEL: 0.96 (>=0.6, sensitivity 0.68 and specificity 0.92); 3Cnet: 0.99 (> 0.75, sensitivity 0.96 and precision 0.92)]. The same nucleotide change resulting in the same amino acid change has been previously reported to be associated with SPAST-related disorder (PMID: 28572275).Different missense changes at the same codon (p.Arg498Gly, p.Arg498Lys, p.Arg498Ser, p.Arg498Thr) have been reported as pathogenic/likely pathogenic with strong evidence (ClinVar ID: VCV000536434, VCV001066782, VCV001335894, VCV002684011, VCV003571526 /PMID: 16832076, 20932283, 26671083 /3billion dataset). Therefore, this variant is classified as Likely pathogenic according to the recommendation of ACMG/AMP guideline.

Labcorp Genetics (formerly Invitae), Labcorp
Classification: Likely pathogenic for Hereditary spastic paraplegia 4. Last evaluated: 2025-08-30. Review status: criteria provided, single submitter. Criteria: Invitae Variant Classification Sherloc (09022015). Collection method: clinical testing. Allele origin: germline.
Comment: This sequence change replaces arginine, which is basic and polar, with methionine, which is neutral and non-polar, at codon 498 of the SPAST protein (p.Arg498Met). This variant also falls at the last nucleotide of exon 12, which is part of the consensus splice site for this exon. This variant is not present in population databases (gnomAD no frequency). This missense change has been observed in individuals with clinical features of hereditary spastic paraplegia (PMID: 28572275; internal data). An algorithm developed to predict the effect of missense changes on protein structure and function (PolyPhen-2) suggests that this variant is likely to be disruptive. Variants that disrupt the consensus splice site are a relatively common cause of aberrant splicing (PMID: 17576681, 9536098). Algorithms developed to predict the effect of sequence changes on RNA splicing suggest that this variant may disrupt the consensus splice site. This variant disrupts the p.Arg498 amino acid residue in SPAST. Other variant(s) that disrupt this residue have been determined to be pathogenic (PMID: 26671083; internal data). This suggests that this residue is clinically significant, and that variants that disrupt this residue are likely to be disease-causing. In summary, the currently available evidence indicates that the variant is pathogenic, but additional data are needed to prove that conclusively. Therefore, this variant has been classified as Likely Pathogenic.

Literature cited by the submitters: PubMed 16832076 (cited by 3billion); PubMed 28572275 (cited by 3billion and Labcorp Genetics (formerly Invitae), Labcorp); PubMed 17576681 (cited by Labcorp Genetics (formerly Invitae), Labcorp); PubMed 9536098 (cited by Labcorp Genetics (formerly Invitae), Labcorp); PubMed 26671083 (cited by Labcorp Genetics (formerly Invitae), Labcorp).